The following is an entry in ClinVar:

NM_001886.3(CRYBA4):c.198_200del (p.Gln66_Tyr67delinsHis)

Gene: CRYBA4 (crystallin beta A4; plus strand). Cytogenetic location: 22q12.1.
Variant type: Deletion.
Coding change: c.198_200del on transcript NM_001886.3 (MANE Select); coding-DNA positions 198 to 200, 3 bases deleted (GTA; older notation c.198_200delGTA).
Protein change: p.Gln66_Tyr67delinsHis.
Molecular consequence: inframe indel.
Genome position (GRCh38, 1-based): chr22:26,625,520-26,625,522, GTA deleted; deleting any 3 consecutive bases within chr22:26,625,519-26,625,522 gives the same sequence; the c. name uses the placement nearest the transcript's 3' end. VCF-style (leftmost placement, unchanged base first): chr22-26625518-CAGT-C. GRCh37 (hg19) VCF-style: chr22-27021482-CAGT-C.
Identifiers: ClinVar variation 965311 (VCV000965311.10), dbSNP rs1929675709, ClinGen allele CA1139667006.

ClinVar aggregate classification (germline): Likely pathogenic (1 of 4 stars; one submission).

Conditions:
Cataract 23 (CTRCT23). Also called: Cataract 23, multiple types; CATARACT 23, LAMELLAR. Identifiers: Orphanet 91492, MedGen C3808012, MONDO:0012489, OMIM 610425.

Submission:

Labcorp Genetics (formerly Invitae), Labcorp
Classification: Likely pathogenic for Cataract 23. Last evaluated: 2020-04-08. Review status: criteria provided, single submitter. Criteria: Invitae Variant Classification Sherloc (09022015). Collection method: clinical testing. Allele origin: germline.
Comment: In summary, the currently available evidence indicates that the variant is pathogenic, but additional data are needed to prove that conclusively. Therefore, this variant has been classified as Likely Pathogenic. Experimental studies and prediction algorithms are not available or were not evaluated, and the functional significance of this variant is currently unknown. This variant has been observed in individual(s) with congenital cataracts (Invitae). In at least one individual the variant was observed to be de novo. This variant is not present in population databases (ExAC no frequency). This variant, c.198_200del, is a complex sequence change that results in the deletion of 2 and insertion of 1 amino acid(s) in the CRYBA4 protein (p.Gln66_Tyr67delinsHis).